The following is an entry in ClinVar:

ClinVar aggregate classification (germline): Pathogenic/Likely pathogenic. Review status: criteria provided, multiple submitters, no conflicts (2 of 4 stars). 5 submissions from 5 submitters: Pathogenic (4); Likely pathogenic (1). Last evaluated 2026-01-11.

Conditions:
Medium-chain acyl-coenzyme A dehydrogenase deficiency (ACADMD). Also called: Medium chain acyl-CoA dehydrogenase deficiency; ACADM DEFICIENCY; CARNITINE DEFICIENCY SECONDARY TO MEDIUM-CHAIN ACYL-CoA DEHYDROGENASE DEFICIENCY; MCADH DEFICIENCY; MCADD; MCAD Deficiency. Identifiers: Orphanet 42, MedGen C0220710, MONDO:0008721, OMIM 201450.

Allele frequency attached by ClinVar (database versions not stated): gnomAD exomes below 0.00001 and 0.00002; ExAC 0.00003; gnomAD 0.00003; TOPMed 0.00004; ESP Exome Variant Server 0.00008.

Submissions (5):

Labcorp Genetics (formerly Invitae), Labcorp
Classification: Pathogenic for Medium-chain acyl-coenzyme A dehydrogenase deficiency. Last evaluated: 2026-01-11. Review status: criteria provided, single submitter. Criteria: Invitae Variant Classification Sherloc (09022015). Collection method: clinical testing. Allele origin: germline.
Comment: This sequence change creates a premature translational stop signal (p.Lys143Argfs*7) in the ACADM gene. It is expected to result in an absent or disrupted protein product. Loss-of-function variants in ACADM are known to be pathogenic (PMID: 16121256, 20434380). This variant is present in population databases (rs777998984, gnomAD 0.03%). This variant has not been reported in the literature in individuals affected with ACADM-related conditions. ClinVar contains an entry for this variant (Variation ID: 203548). Algorithms developed to predict the effect of sequence changes on RNA splicing suggest that this variant may disrupt the consensus splice site. For these reasons, this variant has been classified as Pathogenic.

Natera, Inc.
Classification: Likely pathogenic for Medium Chain Acyl-CoA Dehydrogenase Deficiency. Last evaluated: 2025-09-02. Review status: criteria provided, single submitter. Criteria: Natera Variant Classification Schema (03/2026). Collection method: clinical testing. Allele origin: germline.
Comment: The c.426delG variant in ACADM is a frameshift variant predicted to shift the reading frame beginning at codon 143 and leads to a stop codon 7 codons downstream. This variant is expected to result in nonsense mediated decay, truncation, or a dysfunctional protein product. This variant is rare in the general population with a frequency below the threshold expected for the associated phenotype(s). Given the available evidence, this variant is classified as Likely Pathogenic.

Baylor Genetics
Classification: Pathogenic for Medium-chain acyl-coenzyme A dehydrogenase deficiency. Last evaluated: 2023-12-29. Review status: criteria provided, single submitter. Criteria: ACMG Guidelines, 2015. Collection method: clinical testing. Allele origin: unknown.

ARUP Laboratories, Molecular Genetics and Genomics, ARUP Laboratories
Classification: Pathogenic for Medium-chain acyl-coenzyme A dehydrogenase deficiency. Last evaluated: 2015-02-20. Review status: criteria provided, single submitter. Criteria: ACMG Guidelines, 2015. Collection method: clinical testing. Allele origin: germline. Inheritance: Autosomal recessive inheritance. Observed: 1 heterozygote.

GeneDx
Classification: Pathogenic. Last evaluated: 2013-12-16. Review status: criteria provided, single submitter. Criteria: GeneDx Variant Classification (06012015). Collection method: clinical testing. Allele origin: germline. Affected: yes.
Comment: The c.426delG mutation in the ACADM gene causes a frameshift starting with codon Lysine 143, changes this amino acid to an Arginine residue and creates a premature Stop codon at position 7 of the new reading frame, denoted p.Lys143ArgfsX7. This mutation is predicted to cause loss of normal protein function either through protein truncation or nonsense-mediated mRNA decay. Although this mutation has not been previously reported to our knowledge, it is expected to be a pathogenic mutation. The variant is found in ACADM panel(s).

Literature cited by the submitters: PubMed 16121256 (cited by Labcorp Genetics (formerly Invitae), Labcorp); PubMed 20434380 (cited by Labcorp Genetics (formerly Invitae), Labcorp).

NM_000016.6(ACADM):c.426del (p.Lys143fs)

Gene: ACADM (acyl-CoA dehydrogenase medium chain; plus strand). Cytogenetic location: 1p31.1.
Variant type: Deletion.
Coding change: c.426del on transcript NM_000016.6 (MANE Select); coding-DNA position 426, one base deleted (G; older notation c.426delG).
Protein change: p.Lys143fs; shifts the reading frame from lysine 143.
Molecular consequence: frameshift variant. On other transcripts: intron variant (1).
Genome position (GRCh38, 1-based): chr1:75,734,829, G deleted. VCF-style (leftmost placement, unchanged base first): chr1-75734828-AG-A. GRCh37 (hg19) VCF-style: chr1-76200513-AG-A.
Other names: c.426delG (NM_000016.5); c.438del, p.Lys147fs (NM_001127328.3); c.318del, p.Lys107fs (NM_001286042.2); c.525del, p.Lys176fs (NM_001286043.2); c.-100+1907del (NM_001286044.2); short protein forms K143fs, K176fs, K107fs, K147fs.
Identifiers: ClinVar variation 203548 (VCV000203548.16), dbSNP rs777998984, ClinGen allele CA312202.